The following is an entry in ClinVar:

NM_001194998.2(CEP152):c.1451_1452del (p.Leu483_Tyr484insTer)

Gene: CEP152 (centrosomal protein 152; minus strand). Cytogenetic location: 15q21.1.
Variant type: Deletion.
Coding change: c.1451_1452del on transcript NM_001194998.2 (MANE Select); coding-DNA positions 1451 to 1452, 2 bases deleted (AT; older notation c.1451_1452delAT).
Protein change: p.Leu483_Tyr484insTer.
Molecular consequence: nonsense.
Genome position (GRCh38, 1-based): chr15:48,781,321-48,781,322, AT deleted on the plus strand (AT on the coding strand, the reverse complement: CEP152 is on the minus strand); deleting any 2 consecutive bases within chr15:48,781,321-48,781,323 gives the same sequence; the c. name uses the placement nearest the transcript's 3' end. VCF-style (leftmost placement, unchanged base first): chr15-48781320-CAT-C. GRCh37 (hg19) VCF-style: chr15-49073517-CAT-C.
Other names: c.1451_1452del, p.Leu483_Tyr484insTer (NM_014985.4).
Identifiers: ClinVar variation 1362007 (VCV001362007.6), dbSNP rs1236695233, ClinGen allele CA618009516.
Genomic context (GRCh38, chr15:48,781,320, plus strand): 5'-GTTCTATATTTAATTCTCCTTCTGAGTCACTTGGATGTATTCCTAGTTTTGCAGCAGATT[CAT>C]AGAGAGAAATTTCATCTTTTAGTTCTGTTAATTCTTCCTACAACACAAAATTATTAAAAA-3'

ClinVar aggregate classification (germline): Pathogenic (1 of 4 stars; one submission).

Submission:

Labcorp Genetics (formerly Invitae), Labcorp
Classification: Pathogenic. Last evaluated: 2021-11-07. Review status: criteria provided, single submitter. Criteria: Invitae Variant Classification Sherloc (09022015). Collection method: clinical testing. Allele origin: germline.
Comment: This sequence change creates a premature translational stop signal (p.Tyr484*) in the CEP152 gene. It is expected to result in an absent or disrupted protein product. Loss-of-function variants in CEP152 are known to be pathogenic (PMID: 21131973). This variant is present in population databases (no rsID available, gnomAD 0.007%). This variant has not been reported in the literature in individuals affected with CEP152-related conditions. For these reasons, this variant has been classified as Pathogenic.

Literature cited by the submitters: PubMed 21131973.